The following is an entry in ClinVar:

NM_002427.4(MMP13):c.935A>G (p.His312Arg)

Gene: MMP13 (matrix metallopeptidase 13; minus strand). Cytogenetic location: 11q22.2.
Variant type: single nucleotide variant.
Coding change: c.935A>G on transcript NM_002427.4 (MANE Select); coding-DNA position 935, A replaced by G.
Protein change: p.His312Arg; replaces histidine 312 with arginine.
Molecular consequence: missense variant.
Genome position (GRCh38, 1-based): chr11:102,949,141, T>C on the plus strand (A>G on the coding strand, the complement: MMP13 is on the minus strand). VCF-style: chr11-102949141-T-C. GRCh37 (hg19) VCF-style: chr11-102819870-T-C.
Other names: short protein forms H312R.
Identifiers: ClinVar variation 301983 (VCV000301983.14), dbSNP rs142601143, ClinGen allele CA6251831.

ClinVar aggregate classification (germline): Conflicting classifications of pathogenicity. Review status: criteria provided, conflicting classifications (1 of 4 stars). 6 submissions from 5 submitters: Uncertain significance (5); Benign (1). Last evaluated 2026-02-01.

Conditions:
Spondyloepimetaphyseal dysplasia, Missouri type. Identifiers: Orphanet 1040, Orphanet 93356, MedGen C1865832, MONDO:0011198, OMIM 602111.
Metaphyseal anadysplasia. Also called: Early-onset regressive form of metaphyseal dysplasia. Identifiers: Orphanet 1040, MedGen C0432226, MONDO:0015177.

Allele frequency attached by ClinVar (database versions not stated): gnomAD 0.00021 and 0.00023; TOPMed 0.00021; gnomAD exomes 0.00030 and 0.00035; ExAC 0.00036; ESP Exome Variant Server 0.00038; 1000 Genomes Project 0.00040; 1000 Genomes Project 30x 0.00047.

Submissions (6):

Labcorp Genetics (formerly Invitae), Labcorp
Classification: Uncertain significance. Last evaluated: 2026-02-01. Review status: criteria provided, single submitter. Criteria: Invitae Variant Classification Sherloc (09022015). Collection method: clinical testing. Allele origin: germline.
Comment: This sequence change replaces histidine, which is basic and polar, with arginine, which is basic and polar, at codon 312 of the MMP13 protein (p.His312Arg). This variant is present in population databases (rs142601143, gnomAD 0.05%). This variant has not been reported in the literature in individuals affected with MMP13-related conditions. ClinVar contains an entry for this variant (Variation ID: 301983). Invitae Evidence Modeling of protein sequence and biophysical properties (such as structural, functional, and spatial information, amino acid conservation, physicochemical variation, residue mobility, and thermodynamic stability) indicates that this missense variant is not expected to disrupt MMP13 protein function with a negative predictive value of 80%. In summary, the available evidence is currently insufficient to determine the role of this variant in disease. Therefore, it has been classified as a Variant of Uncertain Significance.

Blueprint Genetics
Classification: Uncertain significance. Last evaluated: 2024-10-18. Review status: criteria provided, single submitter. Criteria: ACMG Guidelines, 2015. Collection method: clinical testing. Allele origin: germline.

GeneDx
Classification: Uncertain significance. Last evaluated: 2022-10-31. Review status: criteria provided, single submitter. Criteria: GeneDx Variant Classification Process June 2021. Collection method: clinical testing. Allele origin: germline. Affected: yes.
Comment: In silico analysis supports that this missense variant has a deleterious effect on protein structure/function; Has not been previously published as pathogenic or benign to our knowledge

Ambry Genetics
Classification: Uncertain significance. Last evaluated: 2022-02-10. Review status: criteria provided, single submitter. Criteria: Ambry Variant Classification Scheme 2023. Collection method: clinical testing. Allele origin: germline.

Illumina Laboratory Services, Illumina
Classification: Benign for Metaphyseal anadysplasia. Last evaluated: 2018-01-12. Review status: criteria provided, single submitter. Criteria: ICSL Variant Classification Criteria 13 December 2019. Collection method: clinical testing. Allele origin: germline.
Comment: This variant was observed in the ICSL laboratory as part of a predisposition screen in an ostensibly healthy population. It had not been previously curated by ICSL or reported in the Human Gene Mutation Database (HGMD: prior to June 1st, 2018), and was therefore a candidate for classification through an automated scoring system. Utilizing variant allele frequency, disease prevalence and penetrance estimates, and inheritance mode, an automated score was calculated to assess if this variant is too frequent to cause the disease. Based on the score and internal cut-off values, a variant classified as benign is not then subjected to further curation. The score for this variant resulted in a classification of benign for this disease.

Illumina Laboratory Services, Illumina
Classification: Uncertain significance for Spondyloepimetaphyseal dysplasia, Missouri type. Last evaluated: 2018-01-12. Review status: criteria provided, single submitter. Criteria: ICSL Variant Classification Criteria 13 December 2019. Collection method: clinical testing. Allele origin: germline.